The following is an entry in ClinVar:

ClinVar aggregate classification (germline): Likely benign (1 of 4 stars; one submission).

Conditions:
TTN-related disorder. Also called: TTN-related disorders; TTN-related condition; TTN-related disease.

Submission:

PreventionGenetics, part of Exact Sciences
Classification: Likely benign for TTN-related condition. Last evaluated: 2026-04-02. Review status: criteria provided, single submitter. Criteria: ACMG Guidelines, 2015. Collection method: clinical testing. Allele origin: germline.
Comment: This variant is classified as likely benign based on ACMG/AMP sequence variant interpretation guidelines (Richards et al. 2015 PMID: 25741868, with internal and published modifications).

NM_001267550.2(TTN):c.88212C>G (p.Ser29404=)

Genes: TTN (titin; minus strand), TTN-AS1 (TTN antisense RNA 1; plus strand). Cytogenetic location: 2q31.2.
Variant type: single nucleotide variant.
Coding change: c.88212C>G on transcript NM_001267550.2 (MANE Select); coding-DNA position 88212, C replaced by G.
Protein change: p.Ser29404=; no amino-acid change (serine 29404 retained).
Molecular consequence: synonymous variant.
Genome position (GRCh38, 1-based): chr2:178,556,942, G>C on the plus strand (C>G on the coding strand, the complement: TTN is on the minus strand). VCF-style: chr2-178556942-G-C. GRCh37 (hg19) VCF-style: chr2-179421669-G-C.
Other names: c.83289C>G, p.Ser27763= (NM_001256850.1); c.61017C>G, p.Ser20339= (NM_003319.4); c.80508C>G, p.Ser26836= (NM_133378.4); c.61392C>G, p.Ser20464= (NM_133432.3); c.61593C>G, p.Ser20531= (NM_133437.4).
Identifiers: ClinVar variation 4988557 (VCV004988557.1).